The following is an entry in ClinVar:

ClinVar aggregate classification (germline): Uncertain significance (1 of 4 stars; one submission).

Conditions:
Familial thoracic aortic aneurysm and aortic dissection (TAAD). Also called: Thoracic aortic aneurysms and dissections. Identifiers: Orphanet 91387, MedGen C4707243, MONDO:0019625.
Marfan syndrome (MFS). Also called: Marfan syndrome, classic; Marfan syndrome type 1; Marfan's syndrome; FBN1-Related Marfan Syndrome; MARFAN SYNDROME, TYPE I. Identifiers: Orphanet 284963, Orphanet 558, MedGen C0024796, MONDO:0007947, OMIM 154700.

Submission:

Labcorp Genetics (formerly Invitae), Labcorp
Classification: Uncertain significance for Marfan syndrome; Familial thoracic aortic aneurysm and aortic dissection. Last evaluated: 2021-08-12. Review status: criteria provided, single submitter. Criteria: Invitae Variant Classification Sherloc (09022015). Collection method: clinical testing. Allele origin: germline.
Comment: In summary, the available evidence is currently insufficient to determine the role of this variant in disease. Therefore, it has been classified as a Variant of Uncertain Significance. Algorithms developed to predict the effect of missense changes on protein structure and function (SIFT, PolyPhen-2, Align-GVGD) all suggest that this variant is likely to be tolerated, but these predictions have not been confirmed by published functional studies and their clinical significance is uncertain. This variant has not been reported in the literature in individuals with FBN1-related conditions. This variant is not present in population databases (ExAC no frequency). This sequence change replaces threonine with serine at codon 37 of the FBN1 protein (p.Thr37Ser). The threonine residue is moderately conserved and there is a small physicochemical difference between threonine and serine.

NM_000138.5(FBN1):c.109A>T (p.Thr37Ser)

Gene: FBN1 (fibrillin 1; minus strand). Cytogenetic location: 15q21.1.
Variant type: single nucleotide variant.
Coding change: c.109A>T on transcript NM_000138.5 (MANE Select); coding-DNA position 109, A replaced by T.
Protein change: p.Thr37Ser; replaces threonine 37 with serine.
Molecular consequence: missense variant.
Genome position (GRCh38, 1-based): chr15:48,644,661, T>A on the plus strand (A>T on the coding strand, the complement: FBN1 is on the minus strand). VCF-style: chr15-48644661-T-A. GRCh37 (hg19) VCF-style: chr15-48936858-T-A.
Other names: short protein forms T37S.
Identifiers: ClinVar variation 944380 (VCV000944380.9), dbSNP rs1890260265, ClinGen allele CA392453627.